The following is an entry in ClinVar:

ClinVar aggregate classification (germline): Uncertain significance (1 of 4 stars; one submission).

Conditions:
Encephalopathy, acute, infection-induced (herpes-specific), susceptibility to, 1. Also called: Herpes simplex encephalitis, susceptibility to, 1. Identifiers: Orphanet 1930, MedGen C2750180, MONDO:0024563, OMIM 610551.

Allele frequency attached by ClinVar (database versions not stated): gnomAD exomes below 0.00001.
gnomAD v4.1: 13 of 1,614,054 alleles (0.00081%); highest among the groups gnomAD compares: African/African-American, 0.0013%; 1 homozygote.

Submission:

Labcorp Genetics (formerly Invitae), Labcorp
Classification: Uncertain significance for Encephalopathy, acute, infection-induced (herpes-specific), susceptibility to, 1. Last evaluated: 2024-11-05. Review status: criteria provided, single submitter. Criteria: Invitae Variant Classification Sherloc (09022015). Collection method: clinical testing. Allele origin: germline.
Comment: This sequence change replaces histidine, which is basic and polar, with asparagine, which is neutral and polar, at codon 312 of the TLR3 protein (p.His312Asn). This variant is not present in population databases (gnomAD no frequency). This variant has not been reported in the literature in individuals affected with TLR3-related conditions. ClinVar contains an entry for this variant (Variation ID: 1055810). An algorithm developed to predict the effect of missense changes on protein structure and function (PolyPhen-2) suggests that this variant is likely to be tolerated. In summary, the available evidence is currently insufficient to determine the role of this variant in disease. Therefore, it has been classified as a Variant of Uncertain Significance.

NM_003265.3(TLR3):c.934C>A (p.His312Asn)

Gene: TLR3 (toll like receptor 3; plus strand). Cytogenetic location: 4q35.1.
Variant type: single nucleotide variant.
Coding change: c.934C>A on transcript NM_003265.3 (MANE Select); coding-DNA position 934, C replaced by A.
Protein change: p.His312Asn; replaces histidine 312 with asparagine.
Molecular consequence: missense variant.
Genome position (GRCh38, 1-based): chr4:186,082,620, C>A. VCF-style: chr4-186082620-C-A. GRCh37 (hg19) VCF-style: chr4-187003774-C-A.
Other names: short protein forms H312N.
Identifiers: ClinVar variation 1055810 (VCV001055810.11), dbSNP rs2099303726, ClinGen allele CA358930486.